The following is an entry in ClinVar:

NM_001034853.2(RPGR):c.2330del (p.Lys777fs)

Gene: RPGR (retinitis pigmentosa GTPase regulator; minus strand). Cytogenetic location: Xp11.4.
Variant type: Deletion.
Coding change: c.2330del on transcript NM_001034853.2 (MANE Select); coding-DNA position 2330, one base deleted (A; older notation c.2330delA).
Protein change: p.Lys777fs; shifts the reading frame from lysine 777.
Molecular consequence: frameshift variant. On other transcripts: intron variant (8).
Genome position (GRCh38, 1-based): chrX:38,286,669, T deleted on the plus strand (A on the coding strand, the reverse complement: RPGR is on the minus strand); the first of 5 consecutive T bases (chrX:38,286,669-38,286,673); deleting any one gives the same sequence. VCF-style (leftmost placement, unchanged base first): chrX-38286668-CT-C. GRCh37 (hg19) VCF-style: chrX-38145921-CT-C.
Other names: c.2330delA (NM_001034853.1); c.1569+4290del (NM_001367249.1, NM_001367250.1); c.1902+425del (NM_001367245.1); c.1386+4290del (NM_001367251.1); c.1719+425del (NM_001367246.1); c.1572+4290del (NM_001367247.1); c.1905+425del (NM_000328.3); c.1602+4290del (NM_001367248.1); short protein forms K777fs.
Identifiers: ClinVar variation 1208230 (VCV001208230.5), dbSNP rs2147198604, ClinGen allele CA2499226691.

ClinVar aggregate classification (germline): Pathogenic (1 of 4 stars; one submission).

Submission:

GeneDx
Classification: Pathogenic. Last evaluated: 2022-03-16. Review status: criteria provided, single submitter. Criteria: GeneDx Variant Classification Process June 2021. Collection method: clinical testing. Allele origin: germline. Affected: yes.
Comment: Frameshift variant predicted to result in protein truncation in a gene for which loss-of-function is a known mechanism of disease; Not observed at significant frequency in large population cohorts (gnomAD); Has not been previously published as pathogenic or benign to our knowledge